The following is an entry in ClinVar:

ClinVar aggregate classification (germline): Uncertain significance (1 of 4 stars; one submission).

Conditions:
Achondrogenesis, type IB (ACG1B). Also called: Achondrogenesis Type 1B. Identifiers: Orphanet 932, Orphanet 93298, MedGen C0265274, MONDO:0010966, OMIM 600972.
Atelosteogenesis type II (AO2). Also called: NEONATAL OSSEOUS DYSPLASIA I; SLC26A2-Related Atelosteogenesis; Neonatal osseous dysplasia 1. Identifiers: Orphanet 56304, MedGen C1850554, MONDO:0009727, OMIM 256050.
Diastrophic dysplasia (DTD). Also called: Diastrophic dwarfism. Identifiers: Orphanet 628, MedGen C0220726, MONDO:0009107, OMIM 222600.
Multiple epiphyseal dysplasia type 4 (EDM4). Also called: Multiple Epiphyseal Dysplasia, Recessive; MULTIPLE EPIPHYSEAL DYSPLASIA WITH BILAYERED PATELLAE; MULTIPLE EPIPHYSEAL DYSPLASIA WITH CLUBFOOT; MULTIPLE EPIPHYSEAL DYSPLASIA, AUTOSOMAL RECESSIVE; SLC26A2-Related Multiple Epiphyseal Dysplasia. Identifiers: Orphanet 93307, MedGen C1847593, MONDO:0009189, OMIM 226900.

Submission:

Juno Genomics, Hangzhou Juno Genomics, Inc
Classification: Uncertain significance for Achondrogenesis, type IB; Atelosteogenesis type II; Diastrophic dysplasia; Multiple epiphyseal dysplasia type 4. Review status: criteria provided, single submitter. Criteria: ACMG Guidelines, 2015. Collection method: clinical testing. Allele origin: germline.
Comment: Absent from controls (or at extremely low frequency if recessive) in Genome Aggregation Database.;Protein length changes due to in-frame deletions/insertions in a non-repeat region or stop-loss variants.

NM_000112.4(SLC26A2):c.1276ATC[1] (p.Ile427del)

Gene: SLC26A2 (solute carrier family 26 member 2; plus strand). Cytogenetic location: 5q32.
Variant type: Microsatellite.
Coding change: c.1276ATC[1] on transcript NM_000112.4 (MANE Select); one copy of the 3-base unit ATC starting at c.1276; the reference has two copies in a row; one copy, 3 bases deleted; also written c.1279_1281del.
Protein change: p.Ile427del; deletes isoleucine 427.
Molecular consequence: inframe deletion.
Genome position (GRCh38, 1-based): chr5:149,980,872-149,980,874, ATC deleted; deleting any 3 consecutive bases within chr5:149,980,869-149,980,874 gives the same sequence; the position shown is the placement nearest the transcript's 3' end. VCF-style (leftmost placement, unchanged base first): chr5-149980868-TATC-T. GRCh37 (hg19) VCF-style: chr5-149360431-TATC-T.
Other names: c.1279_1281del (NM_000112.4); short protein forms I427del.
Identifiers: ClinVar variation 5006856 (VCV005006856.2).